The following is an entry in ClinVar:

NM_001384732.1(CPLANE1):c.6695C>T (p.Ser2232Phe)

Gene: CPLANE1 (ciliogenesis and planar polarity effector complex subunit 1; minus strand). Cytogenetic location: 5p13.2.
Variant type: single nucleotide variant.
Coding change: c.6695C>T on transcript NM_001384732.1 (MANE Select); coding-DNA position 6695, C replaced by T.
Protein change: p.Ser2232Phe; replaces serine 2232 with phenylalanine.
Molecular consequence: missense variant.
Genome position (GRCh38, 1-based): chr5:37,169,329, G>A on the plus strand (C>T on the coding strand, the complement: CPLANE1 is on the minus strand). VCF-style: chr5-37169329-G-A. GRCh37 (hg19) VCF-style: chr5-37169431-G-A.
Other names: c.6695C>T, p.Ser2232Phe (NM_023073.4); short protein forms S2232F.
Identifiers: ClinVar variation 643477 (VCV000643477.11), dbSNP rs751344423, ClinGen allele CA3238200.
Genomic context (GRCh38, chr5:37,169,329, plus strand): 5'-CTGAAGGGAACTTGTGGAATACTTCCTGTATGTAAGAAAAGGGGCTGGAATTCTTGTTTA[G>A]ACTTAAATTGAAGCAAAGGAAAGCCATCACCAGGACTAAATGTTTTTGCATGTGGGATAA-3'
Protein context (NP_001371661.1, residues 2222-2242): GDGFPLLQFK[Ser2232Phe]KQEFQPLFLH

ClinVar aggregate classification (germline): Conflicting classifications of pathogenicity. Review status: criteria provided, conflicting classifications (1 of 4 stars). 3 submissions from 3 submitters: Uncertain significance (1); Likely benign (1). 1 of the submissions does not count toward it. Last evaluated 2026-01-19.

Conditions:
CPLANE1-related disorder. Also called: CPLANE1-related condition.
Joubert syndrome 17 (JBTS17). Identifiers: Orphanet 475, MedGen C3553264, MONDO:0013824, OMIM 614615.
Orofaciodigital syndrome type 6 (OFD6). Also called: OROFACIODIGITAL SYNDROME VI; OFDS VI; POLYDACTYLY, CLEFT LIP/PALATE OR LINGUAL LUMP, AND PSYCHOMOTOR RETARDATION; VARADI SYNDROME; VARADI-PAPP SYNDROME; Oral-facial-digital syndrome type 6. Identifiers: Orphanet 2754, MedGen C2745997, MONDO:0010176, OMIM 277170.

Allele frequency attached by ClinVar (database versions not stated): gnomAD 0.00008 and 0.00009; TOPMed 0.00009; ExAC 0.00013.
gnomAD v4.1: 32 of 1,614,026 alleles (0.002%); highest among the groups gnomAD compares: East Asian, 0.069%; no homozygotes.

Submissions (3):

Labcorp Genetics (formerly Invitae), Labcorp
Classification: Likely benign. Last evaluated: 2026-01-19. Review status: criteria provided, single submitter. Criteria: Invitae Variant Classification Sherloc (09022015). Collection method: clinical testing. Allele origin: germline.

Fulgent Genetics
Classification: Uncertain significance for Orofaciodigital syndrome type 6; Joubert syndrome 17. Last evaluated: 2024-04-05. Review status: criteria provided, single submitter. Criteria: ACMG Guidelines, 2015. Collection method: clinical testing. Allele origin: germline.

PreventionGenetics, part of Exact Sciences
Classification: Likely benign for CPLANE1-related condition. Last evaluated: 2023-01-03. Review status: no assertion criteria provided. Collection method: clinical testing. Allele origin: germline. Not counted in ClinVar's aggregate classification.
Comment: This variant is classified as likely benign based on ACMG/AMP sequence variant interpretation guidelines (Richards et al. 2015 PMID: 25741868, with internal and published modifications).